The following is an entry in ClinVar:

NM_004304.5(ALK):c.3259A>G (p.Thr1087Ala)

Gene: ALK (ALK receptor tyrosine kinase; minus strand). Cytogenetic location: 2p23.2.
Variant type: single nucleotide variant.
Coding change: c.3259A>G on transcript NM_004304.5 (MANE Select); coding-DNA position 3259, A replaced by G.
Protein change: p.Thr1087Ala; replaces threonine 1087 with alanine.
Molecular consequence: missense variant.
Genome position (GRCh38, 1-based): chr2:29,223,442, T>C on the plus strand (A>G on the coding strand, the complement: ALK is on the minus strand). VCF-style: chr2-29223442-T-C. GRCh37 (hg19) VCF-style: chr2-29446308-T-C.
Other names: c.55A>G, p.Thr19Ala (NM_001353765.2); short protein forms T19A, T1087A.
Identifiers: ClinVar variation 3690623 (VCV003690623.2).

ClinVar aggregate classification (germline): Uncertain significance (1 of 4 stars; one submission).

Conditions:
Neuroblastoma, susceptibility to, 3. Also called: ALK-Related Neuroblastic Tumor Susceptibility. Identifiers: Orphanet 635, MedGen C2751681, MONDO:0013083, OMIM 613014.

gnomAD v4.1: 1 of 1,614,166 alleles (0.000062%); highest among the groups gnomAD compares: Non-Finnish European, 0.000085%; no homozygotes.

Submission:

Labcorp Genetics (formerly Invitae), Labcorp
Classification: Uncertain significance for Neuroblastoma, susceptibility to, 3. Last evaluated: 2024-11-22. Review status: criteria provided, single submitter. Criteria: Invitae Variant Classification Sherloc (09022015). Collection method: clinical testing. Allele origin: germline.
Comment: This sequence change replaces threonine, which is neutral and polar, with alanine, which is neutral and non-polar, at codon 1087 of the ALK protein (p.Thr1087Ala). This variant is present in population databases (rs776229060, gnomAD 0.0009%). This variant has not been reported in the literature in individuals affected with ALK-related conditions. An algorithm developed to predict the effect of missense changes on protein structure and function (PolyPhen-2) suggests that this variant is likely to be disruptive. In summary, the available evidence is currently insufficient to determine the role of this variant in disease. Therefore, it has been classified as a Variant of Uncertain Significance.